The following is an entry in ClinVar:

NM_004589.4(SCO1):c.521C>T (p.Pro174Leu)

Gene: SCO1 (synthesis of cytochrome C oxidase 1; minus strand). Cytogenetic location: 17p13.1.
Variant type: single nucleotide variant.
Coding change: c.521C>T on transcript NM_004589.4 (MANE Select); coding-DNA position 521, C replaced by T.
Protein change: p.Pro174Leu; replaces proline 174 with leucine.
Molecular consequence: missense variant.
Genome position (GRCh38, 1-based): chr17:10,692,805, G>A on the plus strand (C>T on the coding strand, the complement: SCO1 is on the minus strand). VCF-style: chr17-10692805-G-A. GRCh37 (hg19) VCF-style: chr17-10596122-G-A.
Other names: short protein forms P174L.
Identifiers: ClinVar variation 6178 (VCV000006178.11), dbSNP rs104894630, ClinGen allele CA118051.

ClinVar aggregate classification (germline): Pathogenic/Likely pathogenic. Review status: criteria provided, multiple submitters, no conflicts (2 of 4 stars). 6 submissions from 6 submitters: Pathogenic (3); Likely pathogenic (2). 1 of the submissions does not count toward it. Last evaluated 2025-09-16.

Conditions:
Mitochondrial complex IV deficiency, nuclear type 4. Also called: Mitochondrial complex 4 deficiency, nuclear type 4. Identifiers: MedGen C5436683, MONDO:0033636, OMIM 619048.

Allele frequency attached by ClinVar (database versions not stated): gnomAD exomes below 0.00001; TOPMed 0.00001.
gnomAD v4.1: 3 of 1,614,050 alleles (0.00019%); highest among the groups gnomAD compares: Non-Finnish European, 0.00025%; no homozygotes.

Submissions (6):

Dasa
Classification: Likely pathogenic. Last evaluated: 2025-09-16. Review status: criteria provided, single submitter. Criteria: DASA Assertion Criteria. Collection method: clinical testing. Allele origin: germline.
Comment: NM_004589.4(SCO1):c.521C>T (p.Pro174Leu) is a missense variant that results in the substitution of proline with leucine. Segregation data support an association with disease in the reported family/families (PMID: 16520371; PMID: 17182746; PMID: 23878101; PMID: 11013136; PMID: 40679281). This variant has been recurrently observed in individuals with SCO1-related disorders (PMID: 11013136; PMID: 23878101; PMID: 40679281). Functional evidence supports an impact on the gene or gene product (PMID: 16520371; PMID: 17182746; PMID: 23878101; PMID: 11013136; PMID: 40679281). Also, this variant is rare in population databases. Computational evidence supports a deleterious effect. Based on the currently available evidence, this variant is classified as likely pathogenic.

Labcorp Genetics (formerly Invitae), Labcorp
Classification: Pathogenic. Last evaluated: 2023-12-12. Review status: criteria provided, single submitter. Criteria: Invitae Variant Classification Sherloc (09022015). Collection method: clinical testing. Allele origin: germline.
Comment: This sequence change replaces proline, which is neutral and non-polar, with leucine, which is neutral and non-polar, at codon 174 of the SCO1 protein (p.Pro174Leu). This variant is not present in population databases (gnomAD no frequency). This missense change has been observed in individual(s) with clinical features of mitochondrial complex IV deficiency (PMID: 11013136). It has also been observed to segregate with disease in related individuals. ClinVar contains an entry for this variant (Variation ID: 6178). Advanced modeling of protein sequence and biophysical properties (such as structural, functional, and spatial information, amino acid conservation, physicochemical variation, residue mobility, and thermodynamic stability) performed at Invitae indicates that this missense variant is expected to disrupt SCO1 protein function with a positive predictive value of 80%. Experimental studies have shown that this missense change affects SCO1 function (PMID: 11118289, 16520371, 17182746, 23345593, 24403053, 29381136). For these reasons, this variant has been classified as Pathogenic.

Laboratorio de Genetica e Diagnostico Molecular, Hospital Israelita Albert Einstein
Classification: Pathogenic for Mitochondrial complex IV deficiency, nuclear type 4. Last evaluated: 2023-02-17. Review status: criteria provided, single submitter. Criteria: ACMG Guidelines, 2015. Collection method: clinical testing. Allele origin: germline. Affected: yes.
Comment: ACMG classification criteria: PS3 supporting, PM2 moderate, PM3 moderate, PP1 strong, PP3 supporting

Fulgent Genetics
Classification: Likely pathogenic for Mitochondrial complex IV deficiency, nuclear type 4. Last evaluated: 2021-10-18. Review status: criteria provided, single submitter. Criteria: ACMG Guidelines, 2015. Collection method: clinical testing. Allele origin: unknown.

Institute of Medical Genetics and Applied Genomics, University Hospital Tübingen
Classification: Pathogenic. Last evaluated: 2021-02-01. Review status: criteria provided, single submitter. Criteria: ACMG Guidelines, 2015. Collection method: clinical testing. Allele origin: germline. Inheritance: Autosomal recessive inheritance. Affected: yes.

OMIM
Classification: Pathogenic for MITOCHONDRIAL COMPLEX IV DEFICIENCY, NUCLEAR TYPE 4. Last evaluated: 2000-11-01. Review status: no assertion criteria provided. Collection method: literature only. Allele origin: germline. Not counted in ClinVar's aggregate classification.

Literature cited by the submitters: PubMed 16520371 (cited by Dasa and Labcorp Genetics (formerly Invitae), Labcorp); PubMed 17182746 (cited by Dasa and Labcorp Genetics (formerly Invitae), Labcorp); PubMed 23878101 (cited by Dasa); PubMed 11013136 (cited by 3 submitters); PubMed 40679281 (cited by Dasa); PubMed 11118289 (cited by Labcorp Genetics (formerly Invitae), Labcorp); PubMed 23345593 (cited by Labcorp Genetics (formerly Invitae), Labcorp); PubMed 24403053 (cited by Labcorp Genetics (formerly Invitae), Labcorp); PubMed 29381136 (cited by Labcorp Genetics (formerly Invitae), Labcorp).